The following is an entry in ClinVar:

ClinVar aggregate classification (germline): Benign (1 of 4 stars; one submission).

Conditions:
Inherited prion disease. Identifiers: Orphanet 280400, MedGen C5679775, MONDO:0017234.

Allele frequency attached by ClinVar (database versions not stated): 1000 Genomes Project 0.00399; 1000 Genomes Project 30x 0.00468; gnomAD 0.00472 and 0.00514; TOPMed 0.00587.

Submission:

Illumina Laboratory Services, Illumina
Classification: Benign for Genetic prion diseases. Last evaluated: 2018-01-13. Review status: criteria provided, single submitter. Criteria: ICSL Variant Classification Criteria 13 December 2019. Collection method: clinical testing. Allele origin: germline.
Comment: This variant was observed in the ICSL laboratory as part of a predisposition screen in an ostensibly healthy population. It had not been previously curated by ICSL or reported in the Human Gene Mutation Database (HGMD: prior to June 1st, 2018), and was therefore a candidate for classification through an automated scoring system. Utilizing variant allele frequency, disease prevalence and penetrance estimates, and inheritance mode, an automated score was calculated to assess if this variant is too frequent to cause the disease. Based on the score and internal cut-off values, a variant classified as benign is not then subjected to further curation. The score for this variant resulted in a classification of benign for this disease.

NM_000311.5(PRNP):c.*1063G>A

Gene: PRNP (prion protein (Kanno blood group); plus strand). Cytogenetic location: 20p13.
Variant type: single nucleotide variant.
Coding change: c.*1063G>A on transcript NM_000311.5 (MANE Select); 1063 bases downstream of the stop codon, G replaced by A.
Molecular consequence: 3 prime UTR variant.
Genome position (GRCh38, 1-based): chr20:4,701,045, G>A. VCF-style: chr20-4701045-G-A. GRCh37 (hg19) VCF-style: chr20-4681691-G-A.
Other names: c.*1063G>A (NM_001080121.3, NM_001080122.3, NM_001080123.3 and 1 more transcripts); c.*1514G>A (NM_001271561.3).
Identifiers: ClinVar variation 338670 (VCV000338670.5), dbSNP rs58499385, ClinGen allele CA10644039.
Genomic context (GRCh38, chr20:4,701,045, plus strand): 5'-ATTTCTGTCTCATAATTGTCAAAAACCAGAATTAGGTCAAGTTCATAGTTTCTGTAATTG[G>A]CTTTTGAATCAAAGAATAGGGAGACAATCTAAAAAATATCTTAGGTTGGAGATGACAGAA-3'